The following is an entry in ClinVar:

ClinVar aggregate classification (germline): Pathogenic (1 of 4 stars; one submission).

Conditions:
Cystinosis. Also called: Cystine diathesis; Cystine storage disease; Cystinoses. Identifiers: Orphanet 213, MedGen C4316899, MONDO:0016239.

Submission:

Natera, Inc.
Classification: Pathogenic for Cystinosis. Last evaluated: 2025-11-03. Review status: criteria provided, single submitter. Criteria: Natera Variant Classification Schema (03/2026). Collection method: clinical testing. Allele origin: germline.
Comment: The c.14G>A variant in CTNS is a nonsense variant predicted to introduce a stop codon at amino acid 5. This variant is expected to result in nonsense mediated decay, truncation, or a dysfunctional protein product. This variant is rare in the general population with a frequency below the threshold expected for the associated phenotype(s). This variant has been observed in one or more individuals affected with the associated recessive disease, as either homozygous or compound heterozygous with a second variant (PMID: 28793998). Given the available evidence, this variant is classified as Pathogenic.

Literature cited by the submitters: PubMed 28793998.

NM_004937.3(CTNS):c.14G>A (p.Trp5Ter)

Gene: CTNS (cystinosin, lysosomal cystine transporter; plus strand). Cytogenetic location: 17p13.2.
Variant type: single nucleotide variant.
Coding change: c.14G>A on transcript NM_004937.3 (MANE Select); coding-DNA position 14, G replaced by A.
Protein change: p.Trp5Ter; replaces tryptophan 5 with a stop codon.
Molecular consequence: nonsense. On other transcripts: 5 prime UTR variant (2), intron variant (2).
Genome position (GRCh38, 1-based): chr17:3,640,220, G>A. VCF-style: chr17-3640220-G-A. GRCh37 (hg19) VCF-style: chr17-3543514-G-A.
Other names: c.14G>A, p.Trp5Ter (NM_001031681.3, NM_001374492.1); c.-343G>A (NM_001374493.1); c.-264G>A (NM_001374495.1); c.-381+2904G>A (NM_001374494.1); c.-296+2904G>A (NM_001374496.1); short protein forms W5*.
Identifiers: ClinVar variation 4815392 (VCV004815392.1).
Genomic context (GRCh38, chr17:3,640,220, plus strand): 5'-ACTTCTCTCTTGCTGTTTTTCTTCCTAGTTCTGAGAAATCGAGAAACATGATAAGGAATT[G>A]GCTGACTATTTTTATCCTTTTTCCCCTGAAGCTCGTAGAGAAATGTGGTAAGTTTAGAAA-3'